The following is an entry in ClinVar:

NM_004281.4(BAG3):c.293T>G (p.Val98Gly)

Gene: BAG3 (BAG cochaperone 3; plus strand). Cytogenetic location: 10q26.11.
Variant type: single nucleotide variant.
Coding change: c.293T>G on transcript NM_004281.4 (MANE Select); coding-DNA position 293, T replaced by G.
Protein change: p.Val98Gly; replaces valine 98 with glycine.
Molecular consequence: missense variant.
Genome position (GRCh38, 1-based): chr10:119,669,963, T>G. VCF-style: chr10-119669963-T-G. GRCh37 (hg19) VCF-style: chr10-121429475-T-G.
Other names: short protein forms V98G.
Identifiers: ClinVar variation 2579788 (VCV002579788.2), dbSNP rs2494009274, ClinGen allele CA378294804.

ClinVar aggregate classification (germline): Uncertain significance (1 of 4 stars; one submission).

Submission:

GeneDx
Classification: Uncertain significance. Last evaluated: 2023-10-24. Review status: criteria provided, single submitter. Criteria: GeneDx Variant Classification Process June 2021. Collection method: clinical testing. Allele origin: germline.
Comment: Not observed at significant frequency in large population cohorts (gnomAD); In silico analysis supports that this missense variant has a deleterious effect on protein structure/function; Has not been previously published as pathogenic or benign to our knowledge; This variant is associated with the following publications: (PMID: 20001957, 36690850)